The following is an entry in ClinVar:

NM_000179.3(MSH6):c.2693C>T (p.Pro898Leu)

Gene: MSH6 (mutS homolog 6; plus strand). Cytogenetic location: 2p16.3.
Variant type: single nucleotide variant.
Coding change: c.2693C>T on transcript NM_000179.3 (MANE Select); coding-DNA position 2693, C replaced by T.
Protein change: p.Pro898Leu; replaces proline 898 with leucine.
Molecular consequence: missense variant. On other transcripts: non-coding transcript variant (5), intron variant (2).
Genome position (GRCh38, 1-based): chr2:47,800,676, C>T. VCF-style: chr2-47800676-C-T. GRCh37 (hg19) VCF-style: chr2-48027815-C-T.
Other names: c.2303C>T, p.Pro768Leu (NM_001281492.2); c.1787C>T, p.Pro596Leu (NM_001281493.2, NM_001281494.2, NM_001406811.1 and 6 more transcripts); c.2789C>T, p.Pro930Leu (NM_001406795.1, NM_001406802.1); c.2693C>T, p.Pro898Leu (NM_001406796.1, NM_001406798.1, NM_001406800.1 and 2 more transcripts); c.2396C>T, p.Pro799Leu (NM_001406797.1, NM_001406801.1, NM_001406805.1 and 10 more transcripts); c.2168C>T, p.Pro723Leu (NM_001406799.1, NM_001406806.1, NM_001406807.1); c.2615C>T, p.Pro872Leu (NM_001406804.1); c.2699C>T, p.Pro900Leu (NM_001406813.1); and 4 more; short protein forms P842L, P213L, P723L, P799L, P872L, P898L, P900L, P596L.
Identifiers: ClinVar variation 2773653 (VCV002773653.4), dbSNP rs876661281, ClinGen allele CA346755306.
Genomic context (GRCh38, chr2:47,800,676, plus strand): 5'-TTGCTGATGGTTTTAAGTCTAAAATCCTTAAGCAGGTCATCTCTCTGCAGACAAAAAATC[C>T]TGAAGGTCGTTTTCCTGATTTGACTGTAGAATTGAACCGATGGGATACAGCCTTTGACCA-3'
Protein context (NP_000170.1, residues 888-908): KQVISLQTKN[Pro898Leu]EGRFPDLTVE

ClinVar aggregate classification (germline): Uncertain significance. Review status: criteria provided, multiple submitters, no conflicts (2 of 4 stars). 2 submissions from 2 submitters: Uncertain significance (2). Last evaluated 2025-09-16.

Conditions:
Hereditary nonpolyposis colorectal neoplasms. Identifiers: MedGen C0009405, MeSH D003123.
Hereditary cancer-predisposing syndrome. Also called: Hereditary neoplastic syndrome; Hereditary Cancer Syndrome; Neoplastic Syndromes, Hereditary; Tumor predisposition. Identifiers: Orphanet 140162, MedGen C0027672, MeSH D009386, MONDO:0015356.

Submissions (2):

Labcorp Genetics (formerly Invitae), Labcorp
Classification: Uncertain significance for Hereditary nonpolyposis colorectal neoplasms. Last evaluated: 2025-09-16. Review status: criteria provided, single submitter. Criteria: Invitae Variant Classification Sherloc (09022015). Collection method: clinical testing. Allele origin: germline.
Comment: This sequence change replaces proline, which is neutral and non-polar, with leucine, which is neutral and non-polar, at codon 898 of the MSH6 protein (p.Pro898Leu). This variant is not present in population databases (gnomAD no frequency). This variant has not been reported in the literature in individuals affected with MSH6-related conditions. ClinVar contains an entry for this variant (Variation ID: 2773653). Invitae Evidence Modeling of protein sequence and biophysical properties (such as structural, functional, and spatial information, amino acid conservation, physicochemical variation, residue mobility, and thermodynamic stability) indicates that this missense variant is not expected to disrupt MSH6 protein function with a negative predictive value of 95%. In summary, the available evidence is currently insufficient to determine the role of this variant in disease. Therefore, it has been classified as a Variant of Uncertain Significance.

Color Diagnostics, LLC DBA Color Health
Classification: Uncertain significance for Hereditary cancer-predisposing syndrome. Last evaluated: 2024-03-06. Review status: criteria provided, single submitter. Criteria: ACMG Guidelines, 2015. Collection method: clinical testing. Allele origin: germline.
Comment: This missense variant replaces proline with leucine at codon 898 of the MSH6 protein. Computational prediction is inconclusive regarding the impact of this variant on protein structure and function (internally defined REVEL score threshold 0.5 < inconclusive < 0.7, PMID: 27666373). To our knowledge, functional studies have not been reported for this variant. This variant has not been reported in individuals affected with hereditary cancer in the literature. This variant has not been identified in the general population by the Genome Aggregation Database (gnomAD). The available evidence is insufficient to determine the role of this variant in disease conclusively. Therefore, this variant is classified as a Variant of Uncertain Significance.